The following is an entry in ClinVar:

ClinVar aggregate classification (germline): Uncertain significance (1 of 4 stars; one submission).

Allele frequency attached by ClinVar (database versions not stated): gnomAD exomes below 0.00001; gnomAD 0.00001.
gnomAD v4.1: 4 of 1,609,128 alleles (0.00025%); highest among the groups gnomAD compares: African/African-American, 0.0013%; no homozygotes.

Submission:

Ambry Genetics
Classification: Uncertain significance. Last evaluated: 2022-09-13. Review status: criteria provided, single submitter. Criteria: Ambry Variant Classification Scheme 2023. Collection method: clinical testing. Allele origin: germline.
Comment: The p.G300E variant (also known as c.899G>A), located in coding exon 10 of the NPAT gene, results from a G to A substitution at nucleotide position 899. The glycine at codon 300 is replaced by glutamic acid, an amino acid with similar properties. This amino acid position is conserved. In addition, this alteration is predicted to be tolerated by in silico analysis. Since supporting evidence is limited at this time, the clinical significance of this alteration remains unclear.

NM_002519.3(NPAT):c.899G>A (p.Gly300Glu)

Gene: NPAT (nuclear protein, coactivator of histone transcription; minus strand). Cytogenetic location: 11q22.3.
Variant type: single nucleotide variant.
Coding change: c.899G>A on transcript NM_002519.3 (MANE Select); coding-DNA position 899, G replaced by A.
Protein change: p.Gly300Glu; replaces glycine 300 with glutamic acid.
Molecular consequence: missense variant.
Genome position (GRCh38, 1-based): chr11:108,185,239, C>T on the plus strand (G>A on the coding strand, the complement: NPAT is on the minus strand). VCF-style: chr11-108185239-C-T. GRCh37 (hg19) VCF-style: chr11-108055966-C-T.
Other names: c.899G>A, p.Gly300Glu (NM_001321307.1); short protein forms G300E.
Identifiers: ClinVar variation 1765385 (VCV001765385.2), dbSNP rs1403014003, ClinGen allele CA382519609.
Genomic context (GRCh38, chr11:108,185,239, plus strand): 5'-ATCTTAAGTATAAGTAACACACACGCACCCATGCACACCCCAACCACCCATACCGGAAGT[C>T]CTAGGAATTCATCAATTGAAGTCTCTGGCTCCGTAGGGTTGTTATCTGTTTGCTTAGGTA-3'
Protein context (NP_002510.2, residues 290-310): EPETSIDEFL[Gly300Glu]LPSEIHMSEE